The following is an entry in ClinVar:

ClinVar aggregate classification (germline): Uncertain significance (1 of 4 stars; one submission).

Conditions:
Carnitine palmitoyltransferase II deficiency. Also called: Carnitine Palmitoyltransferase 2 Deficiency. Identifiers: Orphanet 157, MedGen C0342790, MONDO:0015515.

Submission:

Labcorp Genetics (formerly Invitae), Labcorp
Classification: Uncertain significance for Carnitine palmitoyltransferase II deficiency. Last evaluated: 2024-12-27. Review status: criteria provided, single submitter. Criteria: Invitae Variant Classification Sherloc (09022015). Collection method: clinical testing. Allele origin: germline.
Comment: This sequence change replaces threonine, which is neutral and polar, with alanine, which is neutral and non-polar, at codon 236 of the CPT2 protein (p.Thr236Ala). This variant is not present in population databases (gnomAD no frequency). This variant has not been reported in the literature in individuals affected with CPT2-related conditions. Invitae Evidence Modeling of protein sequence and biophysical properties (such as structural, functional, and spatial information, amino acid conservation, physicochemical variation, residue mobility, and thermodynamic stability) indicates that this missense variant is not expected to disrupt CPT2 protein function with a negative predictive value of 80%. In summary, the available evidence is currently insufficient to determine the role of this variant in disease. Therefore, it has been classified as a Variant of Uncertain Significance.

NM_000098.3(CPT2):c.706A>G (p.Thr236Ala)

Gene: CPT2 (carnitine palmitoyltransferase 2; plus strand). Cytogenetic location: 1p32.3.
Variant type: single nucleotide variant.
Coding change: c.706A>G on transcript NM_000098.3 (MANE Select); coding-DNA position 706, A replaced by G.
Protein change: p.Thr236Ala; replaces threonine 236 with alanine.
Molecular consequence: missense variant.
Genome position (GRCh38, 1-based): chr1:53,210,380, A>G. VCF-style: chr1-53210380-A-G. GRCh37 (hg19) VCF-style: chr1-53676052-A-G.
Other names: c.706A>G, p.Thr236Ala (NM_001330589.2); short protein forms T236A.
Identifiers: ClinVar variation 3666426 (VCV003666426.2).
Genomic context (GRCh38, chr1:53,210,380, plus strand): 5'-CAGTATTTTCGGCTTTTCAACTCAACTCGTTTACCCAAACCCAGTCGGGATGAACTCTTC[A>G]CTGATGACAAGGCCAGACACCTCCTGGTCCTAAGGAAAGGAAATTTTTATATCTTTGATG-3'
Protein context (NP_000089.1, residues 226-246): LPKPSRDELF[Thr236Ala]DDKARHLLVL